The following is an entry in ClinVar:

ClinVar aggregate classification (germline): Uncertain significance. Review status: criteria provided, multiple submitters, no conflicts (2 of 4 stars). 4 submissions from 4 submitters: Uncertain significance (3). 1 of the submissions does not count toward it. Last evaluated 2025-09-02.

Conditions:
Usher syndrome type 1B (USH1B). Also called: Usher syndrome type IB. Identifiers: MedGen C1848638, MONDO:0700087.

Allele frequency attached by ClinVar (database versions not stated): ESP Exome Variant Server 0.00008; gnomAD exomes 0.00008 and 0.00011; TOPMed 0.00011; gnomAD 0.00021; ExAC 0.00030.
gnomAD v4.1: 157 of 1,603,470 alleles (0.0098%); highest among the groups gnomAD compares: Non-Finnish European, 0.0095%; no homozygotes.

Submissions (4):

Labcorp Genetics (formerly Invitae), Labcorp
Classification: Uncertain significance. Last evaluated: 2025-09-02. Review status: criteria provided, single submitter. Criteria: Invitae Variant Classification Sherloc (09022015). Collection method: clinical testing. Allele origin: germline.
Comment: This sequence change replaces arginine, which is basic and polar, with cysteine, which is neutral and slightly polar, at codon 654 of the MYO7A protein (p.Arg654Cys). This variant is present in population databases (rs201928014, gnomAD 0.04%). This variant has not been reported in the literature in individuals affected with MYO7A-related conditions. ClinVar contains an entry for this variant (Variation ID: 450309). Invitae Evidence Modeling of protein sequence and biophysical properties (such as structural, functional, and spatial information, amino acid conservation, physicochemical variation, residue mobility, and thermodynamic stability) indicates that this missense variant is expected to disrupt MYO7A protein function with a positive predictive value of 95%. In summary, the available evidence is currently insufficient to determine the role of this variant in disease. Therefore, it has been classified as a Variant of Uncertain Significance.

GeneDx
Classification: Uncertain significance. Last evaluated: 2025-03-21. Review status: criteria provided, single submitter. Criteria: GeneDx Variant Classification Process June 2021. Collection method: clinical testing. Allele origin: germline. Affected: yes.
Comment: In silico analysis supports that this missense variant has a deleterious effect on protein structure/function; Has not been previously published as pathogenic or benign in association with an MYO7A-related disorder to our knowledge; This variant is associated with the following publications: (PMID: 24875298, 35313637)

Blueprint Genetics
Classification: Uncertain significance. Last evaluated: 2023-10-10. Review status: criteria provided, single submitter. Criteria: ACMG Guidelines, 2015. Collection method: clinical testing. Allele origin: germline.

Natera, Inc.
Classification: Uncertain significance for Usher syndrome type 1B. Last evaluated: 2019-11-11. Review status: no assertion criteria provided. Collection method: clinical testing. Allele origin: germline. Not counted in ClinVar's aggregate classification.

NM_000260.4(MYO7A):c.1960C>T (p.Arg654Cys)

Gene: MYO7A (myosin VIIA; plus strand). Cytogenetic location: 11q13.5.
Variant type: single nucleotide variant.
Coding change: c.1960C>T on transcript NM_000260.4 (MANE Select); coding-DNA position 1960, C replaced by T.
Protein change: p.Arg654Cys; replaces arginine 654 with cysteine.
Molecular consequence: missense variant.
Genome position (GRCh38, 1-based): chr11:77,174,780, C>T. VCF-style: chr11-77174780-C-T. GRCh37 (hg19) VCF-style: chr11-76885826-C-T.
Other names: c.1960C>T, p.Arg654Cys (NM_001127180.2); c.1927C>T, p.Arg643Cys (NM_001369365.1); short protein forms R654C, R643C.
Identifiers: ClinVar variation 450309 (VCV000450309.11), dbSNP rs201928014, ClinGen allele CA6197654.
Genomic context (GRCh38, chr11:77,174,780, plus strand): 5'-CCTTGGCCCTGATGCCCTTGGCTGTGTGCCTGGCAGCTGTTCGACCGGCACCTGTGCGTG[C>T]GCCAGCTGCGGTACTCAGGAATGATGGAGACCATCCGAATCCGCCGAGCTGGCTACCCCA-3'
Protein context (NP_000251.3, residues 644-664): PMLFDRHLCV[Arg654Cys]QLRYSGMMET